The following is an entry in ClinVar:

NM_000178.4(GSS):c.415G>A (p.Ala139Thr)

Gene: GSS (glutathione synthetase; minus strand). Cytogenetic location: 20q11.22.
Variant type: single nucleotide variant.
Coding change: c.415G>A on transcript NM_000178.4 (MANE Select); coding-DNA position 415, G replaced by A.
Protein change: p.Ala139Thr; replaces alanine 139 with threonine.
Molecular consequence: missense variant.
Genome position (GRCh38, 1-based): chr20:34,942,564, C>T on the plus strand (G>A on the coding strand, the complement: GSS is on the minus strand). VCF-style: chr20-34942564-C-T. GRCh37 (hg19) VCF-style: chr20-33530367-C-T.
Other names: c.415G>A, p.Ala139Thr (NM_001322494.1, NM_001322495.1); short protein forms A139T.
Identifiers: ClinVar variation 971051 (VCV000971051.8), dbSNP rs138119089, ClinGen allele CA9826085.
Genomic context (GRCh38, chr20:34,942,564, plus strand): 5'-TCCGGGAGGCCAGGCCCCCAAAGCTGGCAGAGATGGTGTTGATTTCGATCTGTTTCAGGG[C>T]TGGGGAGCCATCTGCGCTGCGCTGGAACATGTAGTCTGAGCGATTCAGGCCCAGGAACAC-3'
Protein context (NP_000169.1, residues 129-149): MFQRSADGSP[Ala139Thr]LKQIEINTIS

ClinVar aggregate classification (germline): Uncertain significance (1 of 4 stars; one submission).

Conditions:
Glutathione synthetase deficiency with 5-oxoprolinuria. Also called: 5-OXOPROLINURIA DUE TO GLUTATHIONE SYNTHETASE DEFICIENCY; 5-Oxoprolinuria; Gluthathione synthetase deficiency; Reduced glutathione synthetase level; PYROGLUTAMIC ACIDURIA. Identifiers: Orphanet 289846, MedGen C0398746, MONDO:0009947, OMIM 266130, HP:0003343.

Allele frequency attached by ClinVar (database versions not stated): gnomAD 0.00001; TOPMed 0.00001; gnomAD exomes 0.00002 and 0.00003; ExAC 0.00004; ESP Exome Variant Server 0.00008; 1000 Genomes Project 30x 0.00016; 1000 Genomes Project 0.00020.

Submission:

Labcorp Genetics (formerly Invitae), Labcorp
Classification: Uncertain significance for Glutathione synthetase deficiency with 5-oxoprolinuria. Last evaluated: 2025-06-02. Review status: criteria provided, single submitter. Criteria: Invitae Variant Classification Sherloc (09022015). Collection method: clinical testing. Allele origin: germline.
Comment: This sequence change replaces alanine, which is neutral and non-polar, with threonine, which is neutral and polar, at codon 139 of the GSS protein (p.Ala139Thr). This variant is present in population databases (rs138119089, gnomAD 0.006%). This variant has not been reported in the literature in individuals affected with GSS-related conditions. ClinVar contains an entry for this variant (Variation ID: 971051). Invitae Evidence Modeling of protein sequence and biophysical properties (such as structural, functional, and spatial information, amino acid conservation, physicochemical variation, residue mobility, and thermodynamic stability) indicates that this missense variant is not expected to disrupt GSS protein function with a negative predictive value of 80%. In summary, the available evidence is currently insufficient to determine the role of this variant in disease. Therefore, it has been classified as a Variant of Uncertain Significance.